The following is an entry in ClinVar:

NM_021930.6(RINT1):c.1969G>T (p.Asp657Tyr)

Genes: EFCAB10 (EF-hand calcium binding domain 10; minus strand), RINT1 (RAD50 interactor 1; plus strand). Cytogenetic location: 7q22.3.
Variant type: single nucleotide variant.
Coding change: c.1969G>T on transcript NM_021930.6 (MANE Select); coding-DNA position 1969, G replaced by T.
Protein change: p.Asp657Tyr; replaces aspartic acid 657 with tyrosine.
Molecular consequence: missense variant. On other transcripts: 3 prime UTR variant (3), non-coding transcript variant (1).
Genome position (GRCh38, 1-based): chr7:105,565,359, G>T. VCF-style: chr7-105565359-G-T. GRCh37 (hg19) VCF-style: chr7-105205806-G-T.
Other names: c.*88C>A (NM_001355526.2); c.*190C>A (NM_001355530.2); c.*43C>A (NM_001355531.2); c.1735G>T, p.Asp579Tyr (NM_001346599.2); c.946G>T, p.Asp316Tyr (NM_001346600.2, NM_001346603.2); c.1045G>T, p.Asp349Tyr (NM_001346601.2); short protein forms D316Y, D657Y, D349Y, D579Y.
Identifiers: ClinVar variation 2625533 (VCV002625533.2), dbSNP rs2133476805, ClinGen allele CA368814796.
Genomic context (GRCh38, chr7:105,565,359, plus strand): 5'-TCAGAGCAGGCAGTGATGTCCCTGTCCAGTTCGGCTTGCCCGTTGCTGCTGACGTTACGA[G>T]ACCATTTACTTCAGTTGGAGCAGCAGCTTTGTTTCTCCTTATTTAAAATTTTCTGGCAAA-3'
Protein context (NP_068749.3, residues 647-667): SACPLLLTLR[Asp657Tyr]HLLQLEQQLC

ClinVar aggregate classification (germline): Uncertain significance (1 of 4 stars; one submission).

Submission:

Ambry Genetics
Classification: Uncertain significance. Last evaluated: 2023-09-10. Review status: criteria provided, single submitter. Criteria: Ambry Variant Classification Scheme 2023. Collection method: clinical testing. Allele origin: germline.
Comment: The p.D657Y variant (also known as c.1969G>T), located in coding exon 13 of the RINT1 gene, results from a G to T substitution at nucleotide position 1969. The aspartic acid at codon 657 is replaced by tyrosine, an amino acid with highly dissimilar properties. This amino acid position is conserved. In addition, the in silico prediction for this alteration is inconclusive. Since supporting evidence is limited at this time, the clinical significance of this alteration remains unclear.